The following is an entry in ClinVar:

NM_000038.6(APC):c.127A>G (p.Asn43Asp)

Gene: APC (APC regulator of Wnt signaling pathway; plus strand). Cytogenetic location: 5q22.2.
Variant type: single nucleotide variant.
Coding change: c.127A>G on transcript NM_000038.6 (MANE Select); coding-DNA position 127, A replaced by G.
Protein change: p.Asn43Asp; replaces asparagine 43 with aspartic acid.
Molecular consequence: missense variant. On other transcripts: 5 prime UTR variant (4), non-coding transcript variant (2), intron variant (11).
Genome position (GRCh38, 1-based): chr5:112,755,017, A>G. VCF-style: chr5-112755017-A-G. GRCh37 (hg19) VCF-style: chr5-112090714-A-G.
Other names: c.127A>G, p.Asn43Asp (NM_001127510.3, NM_001354895.2, NM_001354896.2 and 16 more transcripts); c.-909A>G (NM_001354906.2, NM_001407470.1, NM_001407471.1 and 1 more transcripts); c.166-11309A>G (NM_001407446.1, NM_001354897.2, NM_001354902.2 and 1 more transcripts); c.-42-11309A>G (NM_001407453.1, NM_001354900.2, NM_001354901.2 and 1 more transcripts); c.61-11309A>G (NM_001407451.1, NM_001354898.2, NM_001354904.2); short protein forms N43D.
Identifiers: ClinVar variation 4801430 (VCV004801430.1).
Genomic context (GRCh38, chr5:112,755,017, plus strand): 5'-CTTCGACAAGAGCTAGAAGATAATTCCAATCATCTTACAAAACTGGAAACTGAGGCATCT[A>G]ATATGAAGGTATCAAGACTGTGACTTTTAATTGTAGTTTATCCATTTTTATTCAGTATTC-3'
Protein context (NP_000029.2, residues 33-53): HLTKLETEAS[Asn43Asp]MKEVLKQLQG

ClinVar aggregate classification (germline): Uncertain significance (1 of 4 stars; one submission).

Conditions:
Familial adenomatous polyposis 1 (FAP1). Also called: FAMILIAL ADENOMATOUS POLYPOSIS 1, ATTENUATED; POLYPOSIS, ADENOMATOUS INTESTINAL. Identifiers: MedGen C2713442, MONDO:0021056, OMIM 175100. Disease mechanism: loss of function.

Submission:

Labcorp Genetics (formerly Invitae), Labcorp
Classification: Uncertain significance for Familial adenomatous polyposis 1. Last evaluated: 2026-01-24. Review status: criteria provided, single submitter. Criteria: Invitae Variant Classification Sherloc (09022015). Collection method: clinical testing. Allele origin: germline.
Comment: This sequence change replaces asparagine, which is neutral and polar, with aspartic acid, which is acidic and polar, at codon 43 of the APC protein (p.Asn43Asp). This variant is not present in population databases (gnomAD no frequency). This variant has not been reported in the literature in individuals affected with APC-related conditions. Invitae Evidence Modeling of protein sequence and biophysical properties (such as structural, functional, and spatial information, amino acid conservation, physicochemical variation, residue mobility, and thermodynamic stability) indicates that this missense variant is not expected to disrupt APC protein function with a negative predictive value of 95%. In summary, the available evidence is currently insufficient to determine the role of this variant in disease. Therefore, it has been classified as a Variant of Uncertain Significance.